The following is an entry in ClinVar:

ClinVar aggregate classification (germline): Uncertain significance (1 of 4 stars; one submission).

Conditions:
Usher syndrome type 3B. Also called: USHER SYNDROME, TYPE IIIB. Identifiers: MedGen C3281066, MONDO:0013788, OMIM 614504.

Allele frequency attached by ClinVar (database versions not stated): gnomAD exomes 0.00002 and 0.00004; TOPMed 0.00002; gnomAD 0.00003.

Submission:

Labcorp Genetics (formerly Invitae), Labcorp
Classification: Uncertain significance for Usher syndrome type 3B. Last evaluated: 2025-12-10. Review status: criteria provided, single submitter. Criteria: Invitae Variant Classification Sherloc (09022015). Collection method: clinical testing. Allele origin: germline.
Comment: This sequence change replaces glutamic acid, which is acidic and polar, with lysine, which is basic and polar, at codon 457 of the HARS protein (p.Glu457Lys). This variant is present in population databases (no rsID available, gnomAD 0.004%). This variant has not been reported in the literature in individuals affected with HARS-related conditions. ClinVar contains an entry for this variant (Variation ID: 652578). Invitae Evidence Modeling of protein sequence and biophysical properties (such as structural, functional, and spatial information, amino acid conservation, physicochemical variation, residue mobility, and thermodynamic stability) indicates that this missense variant is not expected to disrupt HARS protein function with a negative predictive value of 80%. In summary, the available evidence is currently insufficient to determine the role of this variant in disease. Therefore, it has been classified as a Variant of Uncertain Significance.

NM_002109.6(HARS1):c.1369G>A (p.Glu457Lys)

Gene: HARS1 (histidyl-tRNA synthetase 1; minus strand). Cytogenetic location: 5q31.3.
Variant type: single nucleotide variant.
Coding change: c.1369G>A on transcript NM_002109.6 (MANE Select); coding-DNA position 1369, G replaced by A.
Protein change: p.Glu457Lys; replaces glutamic acid 457 with lysine.
Molecular consequence: missense variant.
Genome position (GRCh38, 1-based): chr5:140,674,768, C>T on the plus strand (G>A on the coding strand, the complement: HARS1 is on the minus strand). VCF-style: chr5-140674768-C-T. GRCh37 (hg19) VCF-style: chr5-140054353-C-T.
Other names: c.1249G>A, p.Glu417Lys (NM_001258040.3); c.1309G>A, p.Glu437Lys (NM_001258041.3); c.1189G>A, p.Glu397Lys (NM_001258042.3); c.1147G>A, p.Glu383Lys (NM_001289092.2); c.1027G>A, p.Glu343Lys (NM_001289093.2); c.1282G>A, p.Glu428Lys (NM_001289094.2); short protein forms E383K, E428K, E437K, E457K, E343K, E397K, E417K.
Identifiers: ClinVar variation 652578 (VCV000652578.8), dbSNP rs1204851184, ClinGen allele CA361247446.